The following is an entry in ClinVar:

ClinVar aggregate classification (germline): Pathogenic (1 of 4 stars; one submission).

Conditions:
Hyper-IgE recurrent infection syndrome 3, autosomal recessive. Also called: Autosomal recessive hyper-IgE syndrome due to ZNF341 deficiency; HYPER-IgE SYNDROME 3, AUTOSOMAL RECESSIVE, WITH RECURRENT INFECTIONS. Identifiers: Orphanet 641368, MedGen C4748969, MONDO:0032654, OMIM 618282.

Submission:

Labcorp Genetics (formerly Invitae), Labcorp
Classification: Pathogenic for Combined immunodeficiency due to DOCK8 deficiency. Last evaluated: 2021-11-30. Review status: criteria provided, single submitter. Criteria: Invitae Variant Classification Sherloc (09022015). Collection method: clinical testing. Allele origin: germline.
Comment: For these reasons, this variant has been classified as Pathogenic. A similar copy number variant has been observed in individual(s) with DOCK8 deficiency (PMID: 22006977). This variant is a gross deletion of the genomic region encompassing exon(s) 4-26 of the DOCK8 gene. This deletion is out-of-frame, and is expected to create a premature termination codon and result in an absent or disrupted protein product. Loss-of-function variants in DOCK8 are known to be pathogenic (PMID: 14722525, 19776401).

Literature cited by the submitters: PubMed 22006977; PubMed 14722525; PubMed 19776401.

NC_000009.11:g.(?_289490)_(399279_?)del

Gene: DOCK8 (dedicator of cytokinesis 8; plus strand). Cytogenetic location: 9p24.3.
Variant type: Deletion.
Identifiers: ClinVar variation 1072709 (VCV001072709.9).